The following is an entry in ClinVar:

ClinVar aggregate classification (germline): Uncertain significance (1 of 4 stars; one submission).

Allele frequency attached by ClinVar (database versions not stated): TOPMed below 0.00001; gnomAD 0.00001.
gnomAD v4.1: 18 of 1,614,070 alleles (0.0011%); highest among the groups gnomAD compares: African/African-American, 0.0027%; no homozygotes.

Submission:

Labcorp Genetics (formerly Invitae), Labcorp
Classification: Uncertain significance. Last evaluated: 2023-02-24. Review status: criteria provided, single submitter. Criteria: Invitae Variant Classification Sherloc (09022015). Collection method: clinical testing. Allele origin: germline.
Comment: This sequence change replaces arginine, which is basic and polar, with histidine, which is basic and polar, at codon 950 of the ARHGAP31 protein (p.Arg950His). This variant is present in population databases (rs772828070, gnomAD 0.002%). This variant has not been reported in the literature in individuals affected with ARHGAP31-related conditions. Algorithms developed to predict the effect of missense changes on protein structure and function output the following: SIFT: "Not Available"; PolyPhen-2: "Benign"; Align-GVGD: "Not Available". The histidine amino acid residue is found in multiple mammalian species, which suggests that this missense change does not adversely affect protein function. In summary, the available evidence is currently insufficient to determine the role of this variant in disease. Therefore, it has been classified as a Variant of Uncertain Significance.

NM_020754.4(ARHGAP31):c.2849G>A (p.Arg950His)

Gene: ARHGAP31 (Rho GTPase activating protein 31; plus strand). Cytogenetic location: 3q13.33.
Variant type: single nucleotide variant.
Coding change: c.2849G>A on transcript NM_020754.4 (MANE Select); coding-DNA position 2849, G replaced by A.
Protein change: p.Arg950His; replaces arginine 950 with histidine.
Molecular consequence: missense variant.
Genome position (GRCh38, 1-based): chr3:119,414,778, G>A. VCF-style: chr3-119414778-G-A. GRCh37 (hg19) VCF-style: chr3-119133625-G-A.
Other names: short protein forms R950H.
Identifiers: ClinVar variation 2891664 (VCV002891664.3), dbSNP rs772828070, ClinGen allele CA2554110.